The following is an entry in ClinVar:

NM_022552.5(DNMT3A):c.2207G>A (p.Arg736His)

Gene: DNMT3A (DNA methyltransferase 3 alpha; minus strand). Cytogenetic location: 2p23.3.
Variant type: single nucleotide variant.
Coding change: c.2207G>A on transcript NM_022552.5 (MANE Select); coding-DNA position 2207, G replaced by A.
Protein change: p.Arg736His; replaces arginine 736 with histidine.
Molecular consequence: missense variant. On other transcripts: non-coding transcript variant (1).
Genome position (GRCh38, 1-based): chr2:25,240,417, C>T on the plus strand (G>A on the coding strand, the complement: DNMT3A is on the minus strand). VCF-style: chr2-25240417-C-T. GRCh37 (hg19) VCF-style: chr2-25463286-C-T.
Other names: c.1751G>A, p.Arg584His (NM_001320893.1); c.1538G>A, p.Arg513His (NM_001375819.1); c.1640G>A, p.Arg547His (NM_153759.3); c.2207G>A, p.Arg736His (NM_175629.2); short protein forms R513H, R547H, R584H, R736H.
Identifiers: ClinVar variation 1194481 (VCV001194481.13), dbSNP rs139293773, ClinGen allele CA1555700.

ClinVar aggregate classification (germline): Pathogenic. Review status: criteria provided, multiple submitters, no conflicts (2 of 4 stars). 4 submissions from 4 submitters: Pathogenic (4). Last evaluated 2025-08-21.

Conditions:
Tatton-Brown-Rahman overgrowth syndrome. Also called: Tall stature-intellectual disability-facial dysmorphism syndrome; Tatton-Brown-Rahman syndrome. Identifiers: Orphanet 404443, MedGen C4014545, MONDO:0014382, OMIM 615879.

Allele frequency attached by ClinVar (database versions not stated): gnomAD 0.00002 and 0.00003; gnomAD exomes 0.00005; ExAC 0.00007; ESP Exome Variant Server 0.00008.
gnomAD v4.1: 56 of 1,612,042 alleles (0.0035%); highest among the groups gnomAD compares: Admixed American, 0.005%; no homozygotes.

Submissions (4):

Labcorp Genetics (formerly Invitae), Labcorp
Classification: Pathogenic for Tatton-Brown-Rahman overgrowth syndrome. Last evaluated: 2025-08-21. Review status: criteria provided, single submitter. Criteria: Invitae Variant Classification Sherloc (09022015). Collection method: clinical testing. Allele origin: germline.
Comment: This sequence change replaces arginine, which is basic and polar, with histidine, which is basic and polar, at codon 736 of the DNMT3A protein (p.Arg736His). The frequency data for this variant in the population databases is considered unreliable, as metrics indicate poor data quality at this position in the gnomAD database. This missense change has been observed in individual(s) with acute myeloid leukemia and clinical features of DNMT3A-related disorders and/or Tatton-Brown-Rahman syndrome (PMID: 25650308, 29900417, 31685998, 34315901, 35904121, 37795572). In at least one individual the variant was observed to be de novo. ClinVar contains an entry for this variant (Variation ID: 1194481). Invitae Evidence Modeling of protein sequence and biophysical properties (such as structural, functional, and spatial information, amino acid conservation, physicochemical variation, residue mobility, and thermodynamic stability) has been performed for this missense variant. However, the output from this modeling did not meet the statistical confidence thresholds required to predict the impact of this variant on DNMT3A protein function. Experimental studies are conflicting or provide insufficient evidence to determine the effect of this variant on DNMT3A function (PMID: 22722925, 31861499, 36528185). This variant disrupts the p.Arg736 amino acid residue in DNMT3A. Other variant(s) that disrupt this residue have been observed in individuals with DNMT3A-related conditions (internal data), which suggests that this may be a clinically significant amino acid residue. For these reasons, this variant has been classified as Pathogenic.

3billion
Classification: Pathogenic for Tatton-Brown-Rahman overgrowth syndrome. Last evaluated: 2025-02-06. Review status: criteria provided, single submitter. Criteria: ACMG Guidelines, 2015. Collection method: clinical testing. Allele origin: germline. Affected: yes.
Comment: The variant is observed at an allele frequency greater than expected for the associated disorder in the gnomAD v4.1.0 dataset(total allele frequency: 0.003%). However, this is due to the presence of potential somatic variants and the frequency data for this variant in the population databases is not applicable. Predicted Consequence/Location: Missense variant In silico tool predictions suggest damaging effect of the variant on gene or gene product [REVEL: 0.70 (>=0.6, sensitivity 0.68 and specificity 0.92); 3Cnet: 1.00 (>=0.6, sensitivity 0.72 and precision 0.9)]. The same nucleotide change resulting in the same amino acid change has been previously reported to be associated with DNMT3A-related disorder (ClinVar ID: VCV001194481 /PMID: 29900417). The variant has been previously reported as de novo in a similarly affected individual (PMID: 29900417). A different missense change at the same codon (p.Arg736Cys) has been reported as pathogenic/likely pathogenic with strong evidence (ClinVar ID: VCV000981259). Therefore, this variant is classified as Pathogenic according to the recommendation of ACMG/AMP guideline.

GeneDx
Classification: Pathogenic. Last evaluated: 2024-11-15. Review status: criteria provided, single submitter. Criteria: GeneDx Variant Classification Process June 2021. Collection method: clinical testing. Allele origin: germline. Affected: yes.
Comment: Published functional studies suggest a damaging effect: disruption of catalytic activity of DNMT3a (PMID: 31861499); This variant is associated with the following publications: (PMID: 27771989, 36353900, 37795572, 33648567, 22077061, 25964253, 22722925, 25650308, 30705090, 29900417, 32442302, 31685998, 33087320, 34166485, 35771960, 35671390, 35556126, 34587239, 35904121, 31861499, 38845031)

Genologica Medica
Classification: Pathogenic for Tatton-Brown-Rahman overgrowth syndrome. Review status: criteria provided, single submitter. Criteria: ACMG Guidelines, 2015. Collection method: clinical testing. Allele origin: de novo. Inheritance: Autosomal dominant inheritance. Affected: yes.

Literature cited by the submitters: PubMed 25650308 (cited by Labcorp Genetics (formerly Invitae), Labcorp and Genologica Medica); PubMed 29900417 (cited by Labcorp Genetics (formerly Invitae), Labcorp and 3billion); PubMed 31685998 (cited by Labcorp Genetics (formerly Invitae), Labcorp); PubMed 34315901 (cited by Labcorp Genetics (formerly Invitae), Labcorp); PubMed 35904121 (cited by Labcorp Genetics (formerly Invitae), Labcorp); PubMed 37795572 (cited by Labcorp Genetics (formerly Invitae), Labcorp); PubMed 22722925 (cited by Labcorp Genetics (formerly Invitae), Labcorp); PubMed 31861499 (cited by Labcorp Genetics (formerly Invitae), Labcorp); PubMed 36528185 (cited by Labcorp Genetics (formerly Invitae), Labcorp); PubMed 27771989 (cited by Genologica Medica); PubMed 35556126 (cited by Genologica Medica).